The following is an entry in ClinVar:

NM_004928.3(CFAP410):c.14G>A (p.Arg5Gln)

Genes: CFAP410 (cilia and flagella associated protein 410; minus strand), LOC130066823 (ATAC-STARR-seq lymphoblastoid silent region 13383; plus strand). Cytogenetic location: 21q22.3.
Variant type: single nucleotide variant.
Coding change: c.14G>A on transcript NM_004928.3 (MANE Select); coding-DNA position 14, G replaced by A.
Protein change: p.Arg5Gln; replaces arginine 5 with glutamine.
Molecular consequence: missense variant.
Genome position (GRCh38, 1-based): chr21:44,339,181, C>T on the plus strand (G>A on the coding strand, the complement: CFAP410 is on the minus strand). VCF-style: chr21-44339181-C-T. GRCh37 (hg19) VCF-style: chr21-45759064-C-T.
Other names: c.14G>A, p.Arg5Gln (NM_001271440.2, NM_001271441.2); short protein forms R5Q.
Identifiers: ClinVar variation 1942863 (VCV001942863.5), dbSNP rs2518073355, ClinGen allele CA410461449.

ClinVar aggregate classification (germline): Uncertain significance. Review status: criteria provided, multiple submitters, no conflicts (2 of 4 stars). 2 submissions from 2 submitters: Uncertain significance (2). Last evaluated 2024-04-04.

Allele frequency attached by ClinVar (database versions not stated): gnomAD exomes 0.00001.
gnomAD v4.1: 12 of 1,468,502 alleles (0.00082%); highest among the groups gnomAD compares: South Asian, 0.0027%; no homozygotes.

Submissions (2):

Blueprint Genetics
Classification: Uncertain significance. Last evaluated: 2024-04-04. Review status: criteria provided, single submitter. Criteria: ACMG Guidelines, 2015. Collection method: clinical testing. Allele origin: germline.

Labcorp Genetics (formerly Invitae), Labcorp
Classification: Uncertain significance. Last evaluated: 2022-08-20. Review status: criteria provided, single submitter. Criteria: Invitae Variant Classification Sherloc (09022015). Collection method: clinical testing. Allele origin: germline.
Comment: In summary, the available evidence is currently insufficient to determine the role of this variant in disease. Therefore, it has been classified as a Variant of Uncertain Significance. Algorithms developed to predict the effect of missense changes on protein structure and function (SIFT, PolyPhen-2, Align-GVGD) all suggest that this variant is likely to be tolerated. This variant has not been reported in the literature in individuals affected with CFAP410-related conditions. This variant is not present in population databases (gnomAD no frequency). This sequence change replaces arginine, which is basic and polar, with glutamine, which is neutral and polar, at codon 5 of the CFAP410 protein (p.Arg5Gln).